The following is an entry in ClinVar:

ClinVar aggregate classification (germline): Uncertain significance (1 of 4 stars; one submission).

Conditions:
SCAPER-related disorder. Also called: SCAPER-related condition.

Submission:

PreventionGenetics, part of Exact Sciences
Classification: Uncertain significance for SCAPER-related condition. Last evaluated: 2026-08-22. Review status: criteria provided, single submitter. Criteria: ACMG Guidelines, 2015. Collection method: clinical testing. Allele origin: germline.
Comment: The SCAPER c.2735A>G variant is predicted to result in the amino acid substitution p.Gln912Arg. To our knowledge, this variant has not been reported in the literature. This variant is reported in 0.0071% of alleles in individuals of European (Non-Finnish) descent in gnomAD. At this time, the clinical significance of this variant is uncertain due to the absence of conclusive functional and genetic evidence.

NM_020843.4(SCAPER):c.2717A>G (p.Gln906Arg)

Gene: SCAPER (S-phase cyclin A associated protein in the ER; minus strand). Cytogenetic location: 15q24.3.
Variant type: single nucleotide variant.
Coding change: c.2717A>G on transcript NM_020843.4 (MANE Select); coding-DNA position 2717, A replaced by G.
Protein change: p.Gln906Arg; replaces glutamine 906 with arginine.
Molecular consequence: missense variant. On other transcripts: non-coding transcript variant (1).
Genome position (GRCh38, 1-based): chr15:76,574,279, T>C on the plus strand (A>G on the coding strand, the complement: SCAPER is on the minus strand). VCF-style: chr15-76574279-T-C. GRCh37 (hg19) VCF-style: chr15-76866620-T-C.
Other names: c.1979A>G, p.Gln660Arg (NM_001145923.2); c.2735A>G, p.Gln912Arg (NM_001353009.2); c.2315A>G, p.Gln772Arg (NM_001353010.2, NM_001353012.2); c.2333A>G, p.Gln778Arg (NM_001353011.2); short protein forms Q912R, Q660R, Q778R, Q906R, Q772R.
Identifiers: ClinVar variation 4981748 (VCV004981748.1).
Genomic context (GRCh38, chr15:76,574,279, plus strand): 5'-TTTGCCCATGAGCCACTGTCTTGAACTTGTACTTGTTTTAGAAGATCTTTGGCTAATCGC[T>C]GAAGCCTTTAATACCAAATGAAAGGAAAGAATGACATTAATGAAACAGACTATAATCTTC-3'
Protein context (NP_065894.2, residues 896-916): GSDSPYKAKL[Gln906Arg]RLAKDLLKQV